The following is an entry in ClinVar:

ClinVar aggregate classification (germline): Uncertain significance (1 of 4 stars; one submission).

gnomAD v4.1: 1 of 1,612,900 alleles (0.000062%); highest among the groups gnomAD compares: East Asian, 0.0022%; no homozygotes.

Submission:

CeGaT Center for Human Genetics Tuebingen
Classification: Uncertain significance. Last evaluated: 2026-09-01. Review status: criteria provided, single submitter. Criteria: CeGaT Center For Human Genetics Tuebingen Variant Classification Criteria Version 2. Collection method: clinical testing. Allele origin: germline. Affected: yes. Observed: 1 variant allele.
Comment: AARS2: PM2, PM3:Supporting

NM_020745.4(AARS2):c.851A>G (p.Tyr284Cys)

Gene: AARS2 (alanyl-tRNA synthetase 2, mitochondrial; minus strand). Cytogenetic location: 6p21.1.
Variant type: single nucleotide variant.
Coding change: c.851A>G on transcript NM_020745.4 (MANE Select); coding-DNA position 851, A replaced by G.
Protein change: p.Tyr284Cys; replaces tyrosine 284 with cysteine.
Molecular consequence: missense variant.
Genome position (GRCh38, 1-based): chr6:44,310,342, T>C on the plus strand (A>G on the coding strand, the complement: AARS2 is on the minus strand). VCF-style: chr6-44310342-T-C. GRCh37 (hg19) VCF-style: chr6-44278079-T-C.
Other names: short protein forms Y284C.
Identifiers: ClinVar variation 5041867 (VCV005041867.1).
Genomic context (GRCh38, chr6:44,310,342, plus strand): 5'-AGGGAAGAGGCACTCACCTGCTGTATGGCGTTGAGCAGCGGGGAAAAGAGGTCAGTGTCA[T>C]AGGTGGAGTGTTTGCCTTGCAGCACAGCCACCAGCCTTTCCAGGCCCATTCCTGTGTCCA-3'
Protein context (NP_065796.2, residues 274-294): VAVLQGKHST[Tyr284Cys]DTDLFSPLLN